The following is an entry in ClinVar:

ClinVar aggregate classification (germline): Likely pathogenic (1 of 4 stars; one submission).

Conditions:
Stuve-Wiedemann syndrome (STWS). Also called: Stüve-Wiedemann syndrome. Identifiers: Orphanet 3206, MedGen C0796176, MONDO:0031280.

Submission:

Natera, Inc.
Classification: Likely pathogenic for Stuve-Wiedemann syndrome. Last evaluated: 2025-05-30. Review status: criteria provided, single submitter. Criteria: Natera Variant Classification Schema (03/2026). Collection method: clinical testing. Allele origin: germline.
Comment: The c.2168-1del variant in LIFR is a canonical splice acceptor site variant predicted to affect pre-mRNA splicing, which may result in an abnormal transcript and altered protein product. This variant is expected to result in nonsense mediated decay, truncation, or a dysfunctional protein product. This variant is rare in the general population with a frequency below the threshold expected for the associated phenotype(s). Given the available evidence, this variant is classified as Likely Pathogenic.

NM_001127671.2(LIFR):c.2168-1del

Gene: LIFR (LIF receptor subunit alpha; minus strand). Cytogenetic location: 5p13.1.
Variant type: Deletion.
Coding change: c.2168-1del on transcript NM_001127671.2 (MANE Select); the canonical splice acceptor site of the intron before coding-DNA position 2168, one base deleted (G; older notation c.2168-1delG).
Molecular consequence: splice acceptor variant.
Genome position (GRCh38, 1-based): chr5:38,489,246, C deleted on the plus strand (G on the coding strand, the reverse complement: LIFR is on the minus strand). VCF-style (leftmost placement, unchanged base first): chr5-38489245-GC-G. GRCh37 (hg19) VCF-style: chr5-38489347-GC-G.
Other names: c.2168-1del (NM_002310.6, NM_001364298.2, NM_001364297.2).
Identifiers: ClinVar variation 4069861 (VCV004069861.2).